The following is an entry in ClinVar:

NM_013275.6(ANKRD11):c.7087C>G (p.Pro2363Ala)

Gene: ANKRD11 (ankyrin repeat domain 11; minus strand). Cytogenetic location: 16q24.3.
Variant type: single nucleotide variant.
Coding change: c.7087C>G on transcript NM_013275.6 (MANE Select); coding-DNA position 7087, C replaced by G.
Protein change: p.Pro2363Ala; replaces proline 2363 with alanine.
Molecular consequence: missense variant.
Genome position (GRCh38, 1-based): chr16:89,279,455, G>C on the plus strand (C>G on the coding strand, the complement: ANKRD11 is on the minus strand). VCF-style: chr16-89279455-G-C. GRCh37 (hg19) VCF-style: chr16-89345863-G-C.
Other names: c.7087C>G, p.Pro2363Ala (NM_001256182.2, NM_001256183.2); short protein forms P2363A.
Identifiers: ClinVar variation 588871 (VCV000588871.44), dbSNP rs769501453, ClinGen allele CA8241296.

ClinVar aggregate classification (germline): Conflicting classifications of pathogenicity. Review status: criteria provided, conflicting classifications (1 of 4 stars). 4 submissions from 4 submitters: Uncertain significance (2); Likely benign (2). Last evaluated 2025-12-21.

Conditions:
Inborn genetic diseases. Identifiers: MedGen C0950123, MeSH D030342.
KBG syndrome (KBGS). Also called: ANKRD11-Related KBG Syndrome. Identifiers: Orphanet 2332, MedGen C0220687, MONDO:0007846, OMIM 148050.

Allele frequency attached by ClinVar (database versions not stated): gnomAD 0.00009 and 0.00010; TOPMed 0.00014; ExAC below 0.00001; gnomAD exomes 0.00007.
gnomAD v4.1: 291 of 1,459,022 alleles (0.02%); highest among the groups gnomAD compares: Non-Finnish European, 0.025%; no homozygotes.

Submissions (4):

Labcorp Genetics (formerly Invitae), Labcorp
Classification: Uncertain significance for KBG syndrome. Last evaluated: 2025-12-21. Review status: criteria provided, single submitter. Criteria: Invitae Variant Classification Sherloc (09022015). Collection method: clinical testing. Allele origin: germline.
Comment: This sequence change replaces proline, which is neutral and non-polar, with alanine, which is neutral and non-polar, at codon 2363 of the ANKRD11 protein (p.Pro2363Ala). This variant is present in population databases (rs769501453, gnomAD 0.02%). This variant has not been reported in the literature in individuals affected with ANKRD11-related conditions. ClinVar contains an entry for this variant (Variation ID: 588871). Invitae Evidence Modeling of protein sequence and biophysical properties (such as structural, functional, and spatial information, amino acid conservation, physicochemical variation, residue mobility, and thermodynamic stability) indicates that this missense variant is not expected to disrupt ANKRD11 protein function with a negative predictive value of 95%. In summary, the available evidence is currently insufficient to determine the role of this variant in disease. Therefore, it has been classified as a Variant of Uncertain Significance.

CeGaT Center for Human Genetics Tuebingen
Classification: Likely benign. Last evaluated: 2025-07-01. Review status: criteria provided, single submitter. Criteria: CeGaT Center For Human Genetics Tuebingen Variant Classification Criteria Version 2. Collection method: clinical testing. Allele origin: germline. Affected: yes. Observed: 2 variant alleles.
Comment: ANKRD11: BP4

Fulgent Genetics
Classification: Uncertain significance for KBG syndrome. Last evaluated: 2023-12-29. Review status: criteria provided, single submitter. Criteria: ACMG Guidelines, 2015. Collection method: clinical testing. Allele origin: germline.

Ambry Genetics
Classification: Likely benign for Inborn genetic diseases. Last evaluated: 2022-08-01. Review status: criteria provided, single submitter. Criteria: Ambry Variant Classification Scheme 2023. Collection method: clinical testing. Allele origin: germline.